The following is an entry in ClinVar:

ClinVar aggregate classification (germline): Conflicting classifications of pathogenicity. Review status: criteria provided, conflicting classifications (1 of 4 stars). 3 submissions from 3 submitters: Uncertain significance (1); Likely benign (1). 1 of the submissions does not count toward it. Last evaluated 2026-01-04.

Conditions:
CTNNA1-related disorder. Also called: CTNNA1-related condition.
Hereditary cancer-predisposing syndrome. Also called: Hereditary neoplastic syndrome; Tumor predisposition; Neoplastic Syndromes, Hereditary; Hereditary Cancer Syndrome. Identifiers: Orphanet 140162, MedGen C0027672, MeSH D009386, MONDO:0015356.

Allele frequency attached by ClinVar (database versions not stated): TOPMed 0.00003.
gnomAD v4.1: 1 of 1,613,476 alleles (0.000062%); highest among the groups gnomAD compares: African/African-American, 0.0013%; no homozygotes.

Submissions (3):

Labcorp Genetics (formerly Invitae), Labcorp
Classification: Likely benign. Last evaluated: 2026-01-04. Review status: criteria provided, single submitter. Criteria: Invitae Variant Classification Sherloc (09022015). Collection method: clinical testing. Allele origin: germline.

Ambry Genetics
Classification: Uncertain significance for Hereditary cancer-predisposing syndrome. Last evaluated: 2024-03-26. Review status: criteria provided, single submitter. Criteria: Ambry Variant Classification Scheme 2023. Collection method: clinical testing. Allele origin: germline.
Comment: The c.1899G>A variant (also known as p.R633R) is located in coding exon 12 of the CTNNA1 gene. This variant results from a G to A substitution at nucleotide position 1899. This nucleotide substitution does not change the arginine at codon 633. However, this change occurs in the last base pair of coding exon 12, which makes it likely to have some effect on normal mRNA splicing. This nucleotide position is well conserved in available vertebrate species. In silico splice site analysis predicts that this alteration will not have any significant effect on splicing. The evidence for this gene-disease relationship is limited; therefore, the clinical significance of this alteration is unclear.

PreventionGenetics, part of Exact Sciences
Classification: Likely benign for CTNNA1-related condition. Last evaluated: 2022-10-05. Review status: no assertion criteria provided. Collection method: clinical testing. Allele origin: germline. Not counted in ClinVar's aggregate classification.
Comment: This variant is classified as likely benign based on ACMG/AMP sequence variant interpretation guidelines (Richards et al. 2015 PMID: 25741868, with internal and published modifications).

NM_001903.5(CTNNA1):c.1899G>A (p.Arg633=)

Gene: CTNNA1 (catenin alpha 1; plus strand). Cytogenetic location: 5q31.2.
Variant type: single nucleotide variant.
Coding change: c.1899G>A on transcript NM_001903.5 (MANE Select); coding-DNA position 1899, G replaced by A.
Protein change: p.Arg633=; no amino-acid change (arginine 633 retained).
Molecular consequence: synonymous variant.
Genome position (GRCh38, 1-based): chr5:138,925,407, G>A. VCF-style: chr5-138925407-G-A. GRCh37 (hg19) VCF-style: chr5-138261096-G-A.
Other names: c.1899G>A, p.Arg633= (NM_001290307.3, NM_001323982.2, NM_001323983.1 and 2 more transcripts); c.1590G>A, p.Arg530= (NM_001290309.3); c.1530G>A, p.Arg510= (NM_001290310.3); c.789G>A, p.Arg263= (NM_001290312.1, NM_001323987.1, NM_001323988.1 and 17 more transcripts); c.1806G>A, p.Arg602= (NM_001323986.2); c.450G>A, p.Arg150= (NM_001324006.1, NM_001324007.1, NM_001324008.1 and 2 more transcripts); c.696G>A, p.Arg232= (NM_001324011.1); c.546G>A, p.Arg182= (NM_001324012.1, NM_001324013.1); and 1 more.
Identifiers: ClinVar variation 656148 (VCV000656148.14), dbSNP rs1253558458, ClinGen allele CA446597499.